The following is an entry in ClinVar:

ClinVar aggregate classification (germline): Benign/Likely benign. Review status: criteria provided, multiple submitters, no conflicts (2 of 4 stars). 8 submissions from 8 submitters: Benign (4); Likely benign (4). Last evaluated 2026-04-28.

Conditions:
Coffin-Siris syndrome. Identifiers: Orphanet 1465, MedGen C0265338, MONDO:0015452.
Intellectual disability, autosomal dominant 16 (CSS4). Also called: COFFIN-SIRIS SYNDROME 4. Identifiers: Orphanet 1465, MedGen C3553249, MONDO:0013821, OMIM 614609.
Hereditary cancer-predisposing syndrome. Also called: Hereditary neoplastic syndrome; Hereditary Cancer Syndrome; Neoplastic Syndromes, Hereditary; Tumor predisposition. Identifiers: Orphanet 140162, MedGen C0027672, MeSH D009386, MONDO:0015356.
Rhabdoid tumor predisposition syndrome 2 (RTPS2). Identifiers: Orphanet 231108, Orphanet 69077, MedGen C2750074, MONDO:0013224, OMIM 613325.

Allele frequency attached by ClinVar (database versions not stated): TOPMed 0.00122; 1000 Genomes Project 30x 0.00172; 1000 Genomes Project 0.00220.
gnomAD v4.1: 706 of 1,613,194 alleles (0.044%); highest among the groups gnomAD compares: East Asian, 1.5%; 9 homozygotes.

Submissions (8):

Myriad Genetics, Inc.
Classification: Benign for Rhabdoid tumor predisposition syndrome 2. Last evaluated: 2026-04-28. Review status: criteria provided, single submitter. Criteria: Myriad Autosomal Dominant, Autosomal Recessive and X-Linked Classification Criteria (2023). Collection method: clinical testing. Allele origin: unknown.
Comment: This variant is considered benign. This variant is intronic and is not expected to impact mRNA splicing. Homozygosity has been confirmed in one or more individuals. As homozygosity for pathogenic variants in this gene is generally assumed to result in embryonic lethality, this variant is unlikely to be pathogenic.

Labcorp Genetics (formerly Invitae), Labcorp
Classification: Benign for Rhabdoid tumor predisposition syndrome 2. Last evaluated: 2026-02-04. Review status: criteria provided, single submitter. Criteria: Invitae Variant Classification Sherloc (09022015). Collection method: clinical testing. Allele origin: germline.

Genome-Nilou Lab
Classification: Benign for Intellectual disability, autosomal dominant 16. Last evaluated: 2021-07-15. Review status: criteria provided, single submitter. Criteria: ACMG Guidelines, 2015. Collection method: clinical testing. Allele origin: germline. Affected: no.

GeneDx
Classification: Likely benign. Last evaluated: 2021-01-25. Review status: criteria provided, single submitter. Criteria: GeneDx Variant Classification Process June 2021. Collection method: clinical testing. Allele origin: germline. Affected: yes.

ARUP Laboratories, Molecular Genetics and Genomics, ARUP Laboratories
Classification: Likely benign. Last evaluated: 2020-07-02. Review status: criteria provided, single submitter. Criteria: ARUP Molecular Germline Variant Investigation Process. Collection method: clinical testing. Allele origin: germline.

Illumina Laboratory Services, Illumina
Classification: Benign for Coffin-Siris syndrome. Last evaluated: 2018-01-12. Review status: criteria provided, single submitter. Criteria: ICSL Variant Classification Criteria 13 December 2019. Collection method: clinical testing. Allele origin: germline.
Comment: This variant was observed in the ICSL laboratory as part of a predisposition screen in an ostensibly healthy population. It had not been previously curated by ICSL or reported in the Human Gene Mutation Database (HGMD: prior to June 1st, 2018), and was therefore a candidate for classification through an automated scoring system. Utilizing variant allele frequency, disease prevalence and penetrance estimates, and inheritance mode, an automated score was calculated to assess if this variant is too frequent to cause the disease. Based on the score and internal cut-off values, a variant classified as benign is not then subjected to further curation. The score for this variant resulted in a classification of benign for this disease.

Ambry Genetics
Classification: Likely benign for Hereditary cancer-predisposing syndrome. Last evaluated: 2015-09-02. Review status: criteria provided, single submitter. Criteria: Ambry Variant Classification Scheme 2023. Collection method: clinical testing. Allele origin: germline.

Breakthrough Genomics
Classification: Likely benign. Review status: criteria provided, single submitter. Criteria: ACMG Guidelines, 2015. Collection method: not provided. Allele origin: germline. Inheritance: Autosomal dominant inheritance. Affected: yes.

NM_003072.5(SMARCA4):c.1944-12C>T

Gene: SMARCA4 (SWI/SNF related BAF chromatin remodeling complex subunit ATPase 4; plus strand). Cytogenetic location: 19p13.2.
Variant type: single nucleotide variant.
Coding change: c.1944-12C>T on transcript NM_003072.5 (MANE Select); 12 bases into the intron before coding-DNA position 1944, C replaced by T.
Molecular consequence: intron variant.
Genome position (GRCh38, 1-based): chr19:11,003,328, C>T. VCF-style: chr19-11003328-C-T. GRCh37 (hg19) VCF-style: chr19-11114004-C-T.
Other names: c.1944-12C>T (NM_001128844.3, NM_001128849.3, NM_001128847.4 and 5 more transcripts).
Identifiers: ClinVar variation 328026 (VCV000328026.63), dbSNP rs149763341, ClinGen allele CA9203953.